The following is an entry in ClinVar:

ClinVar aggregate classification (germline): Likely pathogenic (1 of 4 stars; one submission).

Submission:

Labcorp Genetics (formerly Invitae), Labcorp
Classification: Likely pathogenic. Last evaluated: 2021-12-25. Review status: criteria provided, single submitter. Criteria: Invitae Variant Classification Sherloc (09022015). Collection method: clinical testing. Allele origin: germline.
Comment: In summary, the currently available evidence indicates that the variant is pathogenic, but additional data are needed to prove that conclusively. Therefore, this variant has been classified as Likely Pathogenic. Algorithms developed to predict the effect of sequence changes on RNA splicing suggest that this variant may disrupt the consensus splice site. This variant has not been reported in the literature in individuals affected with SI-related conditions. This variant is not present in population databases (gnomAD no frequency). This sequence change affects an acceptor splice site in intron 35 of the SI gene. It is expected to disrupt RNA splicing. Variants that disrupt the donor or acceptor splice site typically lead to a loss of protein function (PMID: 16199547), and loss-of-function variants in SI are known to be pathogenic (PMID: 16329100, 23103650, 25452324).

Literature cited by the submitters: PubMed 16199547; PubMed 16329100; PubMed 23103650; PubMed 25452324.

NM_001041.4(SI):c.4180-1G>A

Gene: SI (sucrase-isomaltase; minus strand). Cytogenetic location: 3q26.1.
Variant type: single nucleotide variant.
Coding change: c.4180-1G>A on transcript NM_001041.4 (MANE Select); the canonical splice acceptor site of the intron before coding-DNA position 4180, G replaced by A.
Molecular consequence: splice acceptor variant.
Genome position (GRCh38, 1-based): chr3:165,007,999, C>T on the plus strand (G>A on the coding strand, the complement: SI is on the minus strand). VCF-style: chr3-165007999-C-T. GRCh37 (hg19) VCF-style: chr3-164725787-C-T.
Identifiers: ClinVar variation 2060155 (VCV002060155.4), dbSNP rs2473244149, ClinGen allele CA355033475.
Genomic context (GRCh38, chr3:165,007,999, plus strand): 5'-GTCATTTCTGCATTGATTAGTAGTTGTTCCATTTACAAAACTTGATGGCTCATTCATATC[C>T]TTAAAAAAAGATGAAAGAAAAAGGTAAACAAAAGATAAATTTACAACATATATTCTCAAA-3'